The following is an entry in ClinVar:

ClinVar aggregate classification (germline): Uncertain significance (1 of 4 stars; one submission).

Allele frequency attached by ClinVar (database versions not stated): gnomAD exomes below 0.00001.

Submission:

Labcorp Genetics (formerly Invitae), Labcorp
Classification: Uncertain significance. Last evaluated: 2022-07-31. Review status: criteria provided, single submitter. Criteria: Invitae Variant Classification Sherloc (09022015). Collection method: clinical testing. Allele origin: germline.
Comment: This sequence change replaces valine, which is neutral and non-polar, with isoleucine, which is neutral and non-polar, at codon 196 of the COL9A1 protein (p.Val196Ile). This variant is present in population databases (no rsID available, gnomAD 0.004%). This variant has not been reported in the literature in individuals affected with COL9A1-related conditions. Advanced modeling of protein sequence and biophysical properties (such as structural, functional, and spatial information, amino acid conservation, physicochemical variation, residue mobility, and thermodynamic stability) performed at Invitae indicates that this missense variant is not expected to disrupt COL9A1 protein function. In summary, the available evidence is currently insufficient to determine the role of this variant in disease. Therefore, it has been classified as a Variant of Uncertain Significance.

NM_001851.6(COL9A1):c.586G>A (p.Val196Ile)

Gene: COL9A1 (collagen type IX alpha 1 chain; minus strand). Cytogenetic location: 6q13.
Variant type: single nucleotide variant.
Coding change: c.586G>A on transcript NM_001851.6 (MANE Select); coding-DNA position 586, G replaced by A.
Protein change: p.Val196Ile; replaces valine 196 with isoleucine.
Molecular consequence: missense variant.
Genome position (GRCh38, 1-based): chr6:70,294,277, C>T on the plus strand (G>A on the coding strand, the complement: COL9A1 is on the minus strand). VCF-style: chr6-70294277-C-T. GRCh37 (hg19) VCF-style: chr6-71003980-C-T.
Other names: c.586G>A, p.Val196Ile (NM_001377291.1); short protein forms V196I.
Identifiers: ClinVar variation 2043125 (VCV002043125.1), dbSNP rs1367463882, ClinGen allele CA364670848.